The following is an entry in ClinVar:

NM_024741.3(ZNF408):c.996C>G (p.Phe332Leu)

Gene: ZNF408 (zinc finger protein 408; plus strand). Cytogenetic location: 11p11.2.
Variant type: single nucleotide variant.
Coding change: c.996C>G on transcript NM_024741.3 (MANE Select); coding-DNA position 996, C replaced by G.
Protein change: p.Phe332Leu; replaces phenylalanine 332 with leucine.
Molecular consequence: missense variant.
Genome position (GRCh38, 1-based): chr11:46,704,696, C>G. VCF-style: chr11-46704696-C-G. GRCh37 (hg19) VCF-style: chr11-46726246-C-G.
Other names: c.972C>G, p.Phe324Leu (NM_001184751.2); short protein forms F324L, F332L.
Identifiers: ClinVar variation 1060479 (VCV001060479.9), dbSNP rs748111651, ClinGen allele CA5966469.
Genomic context (GRCh38, chr11:46,704,696, plus strand): 5'-CAGTGATCAGTGCCCACCCAGAGCAAAGACCCCAGAGCCTGGAGCCCAGCAGTCTGGCTT[C>G]CCTACACTCTCGCGGAGCCCTCCTGGCCCAGCAGGAAGCTCCCCAAAGCAGGGGCGACGG-3'
Protein context (NP_079017.1, residues 322-342): TPEPGAQQSG[Phe332Leu]PTLSRSPPGP

ClinVar aggregate classification (germline): Uncertain significance (1 of 4 stars; one submission).

Allele frequency attached by ClinVar (database versions not stated): TOPMed below 0.00001; ExAC 0.00001; gnomAD exomes 0.00001; gnomAD 0.00002.

Submission:

Labcorp Genetics (formerly Invitae), Labcorp
Classification: Uncertain significance. Last evaluated: 2023-05-08. Review status: criteria provided, single submitter. Criteria: Invitae Variant Classification Sherloc (09022015). Collection method: clinical testing. Allele origin: germline.
Comment: This sequence change replaces phenylalanine, which is neutral and non-polar, with leucine, which is neutral and non-polar, at codon 332 of the ZNF408 protein (p.Phe332Leu). This variant is present in population databases (rs748111651, gnomAD 0.008%). This variant has not been reported in the literature in individuals affected with ZNF408-related conditions. ClinVar contains an entry for this variant (Variation ID: 1060479). Algorithms developed to predict the effect of missense changes on protein structure and function output the following: SIFT: "Not Available"; PolyPhen-2: "Benign"; Align-GVGD: "Not Available". The leucine amino acid residue is found in multiple mammalian species, which suggests that this missense change does not adversely affect protein function. In summary, the available evidence is currently insufficient to determine the role of this variant in disease. Therefore, it has been classified as a Variant of Uncertain Significance.